The following is an entry in ClinVar:

ClinVar aggregate classification (germline): Conflicting classifications of pathogenicity. Review status: criteria provided, conflicting classifications (1 of 4 stars). 5 submissions from 5 submitters: Uncertain significance (1); Likely benign (3). 1 of the submissions does not count toward it. Last evaluated 2025-12-08.

Conditions:
MED13L-related disorder. Also called: MED13L-related condition.
Dextro-looped transposition of the great arteries. Also called: Dextrotransposition of the great arteries. Identifiers: Orphanet 860, MedGen C3531771, MONDO:0019443, OMIM 608808, HP:0031348.

Allele frequency attached by ClinVar (database versions not stated): ExAC 0.00023; gnomAD exomes 0.00024; gnomAD 0.00029 and 0.00035; ESP Exome Variant Server 0.00038; TOPMed 0.00046; 1000 Genomes Project 30x 0.00047; 1000 Genomes Project 0.00060.
gnomAD v4.1: 969 of 1,613,940 alleles (0.06%); highest among the groups gnomAD compares: Non-Finnish European, 0.079%; no homozygotes.

Submissions (5):

Labcorp Genetics (formerly Invitae), Labcorp
Classification: Likely benign for Dextro-looped transposition of the great arteries. Last evaluated: 2025-12-08. Review status: criteria provided, single submitter. Criteria: Invitae Variant Classification Sherloc (09022015). Collection method: clinical testing. Allele origin: germline.

Blueprint Genetics
Classification: Likely benign. Last evaluated: 2024-11-19. Review status: criteria provided, single submitter. Criteria: ACMG Guidelines, 2015. Collection method: clinical testing. Allele origin: germline.

CeGaT Center for Human Genetics Tuebingen
Classification: Likely benign. Last evaluated: 2022-11-01. Review status: criteria provided, single submitter. Criteria: CeGaT Center For Human Genetics Tuebingen Variant Classification Criteria Version 2. Collection method: clinical testing. Allele origin: germline. Affected: yes. Observed: 1 variant allele.
Comment: MED13L: PP2, BS2

Daryl Scott Lab, Baylor College of Medicine
Classification: Uncertain significance for Dextro-looped transposition of the great arteries. Last evaluated: 2022-08-22. Review status: criteria provided, single submitter. Criteria: ACMG Guidelines, 2015. Collection method: clinical testing. Allele origin: de novo. Affected: yes. Observed: 1 variant allele, 1 heterozygote.

PreventionGenetics, part of Exact Sciences
Classification: Likely benign for MED13L-related condition. Last evaluated: 2020-09-23. Review status: no assertion criteria provided. Collection method: clinical testing. Allele origin: germline. Not counted in ClinVar's aggregate classification.
Comment: This variant is classified as likely benign based on ACMG/AMP sequence variant interpretation guidelines (Richards et al. 2015 PMID: 25741868, with internal and published modifications).

Literature cited by the submitters: PubMed 36135330 (cited by Daryl Scott Lab, Baylor College of Medicine).

NM_015335.5(MED13L):c.3214G>A (p.Val1072Ile)

Gene: MED13L (mediator complex subunit 13L; minus strand). Cytogenetic location: 12q24.21.
Variant type: single nucleotide variant.
Coding change: c.3214G>A on transcript NM_015335.5 (MANE Select); coding-DNA position 3214, G replaced by A.
Protein change: p.Val1072Ile; replaces valine 1072 with isoleucine.
Molecular consequence: missense variant.
Genome position (GRCh38, 1-based): chr12:115,991,740, C>T on the plus strand (G>A on the coding strand, the complement: MED13L is on the minus strand). VCF-style: chr12-115991740-C-T. GRCh37 (hg19) VCF-style: chr12-116429545-C-T.
Other names: short protein forms V1072I.
Identifiers: ClinVar variation 936409 (VCV000936409.37), dbSNP rs142907547, ClinGen allele CA6811015.